The following is an entry in ClinVar:

ClinVar aggregate classification (germline): Likely benign (1 of 4 stars; one submission).

gnomAD v4.1: 24 of 1,613,978 alleles (0.0015%); highest among the groups gnomAD compares: African/African-American, 0.008%; no homozygotes.

Submission:

Mayo Clinic Laboratories, Mayo Clinic
Classification: Likely benign. Last evaluated: 2025-03-20. Review status: criteria provided, single submitter. Criteria: ACMG Guidelines, 2015. Collection method: clinical testing. Allele origin: germline. Observed: 1 variant allele.
Comment: BP4, BP7

Literature cited by the submitters: PubMed 37185710.

NM_006759.4(UGP2):c.1101A>G (p.Gln367=)

Gene: UGP2 (UDP-glucose pyrophosphorylase 2; plus strand). Cytogenetic location: 2p15.
Variant type: single nucleotide variant.
Coding change: c.1101A>G on transcript NM_006759.4 (MANE Select); coding-DNA position 1101, A replaced by G.
Protein change: p.Gln367=; no amino-acid change (glutamine 367 retained).
Molecular consequence: synonymous variant.
Genome position (GRCh38, 1-based): chr2:63,887,431, A>G. VCF-style: chr2-63887431-A-G. GRCh37 (hg19) VCF-style: chr2-64114565-A-G.
Other names: p.Gln367=; c.741A>G, p.Gln247= (NM_001377527.1, NM_001377528.1, NM_001377529.1 and 1 more transcripts); c.1068A>G, p.Gln356= (NM_001001521.2, NM_001377524.1, NM_001377525.1).
Identifiers: ClinVar variation 4684576 (VCV004684576.1).